The following is an entry in ClinVar:

ClinVar aggregate classification (germline): Likely benign. Review status: criteria provided, multiple submitters, no conflicts (2 of 4 stars). 2 submissions from 2 submitters: Likely benign (2). Last evaluated 2025-06-06.

Conditions:
Tuberous sclerosis 2 (TSC2). Identifiers: Orphanet 805, MedGen C1860707, MONDO:0013199, OMIM 613254.

Submissions (2):

Myriad Genetics, Inc.
Classification: Likely benign for Tuberous sclerosis 2. Last evaluated: 2025-06-06. Review status: criteria provided, single submitter. Criteria: Myriad Autosomal Dominant, Autosomal Recessive and X-Linked Classification Criteria (2023). Collection method: clinical testing. Allele origin: unknown.
Comment: This variant is considered likely benign. This variant is intronic and is not expected to impact mRNA splicing.

Labcorp Genetics (formerly Invitae), Labcorp
Classification: Likely benign for Tuberous sclerosis 2. Last evaluated: 2025-03-09. Review status: criteria provided, single submitter. Criteria: Invitae Variant Classification Sherloc (09022015). Collection method: clinical testing. Allele origin: germline.

NM_000548.5(TSC2):c.5161-10_5161-9delinsCT

Gene: TSC2 (TSC complex subunit 2; plus strand). Cytogenetic location: 16p13.3.
Variant type: Indel.
Coding change: c.5161-10_5161-9delinsCT on transcript NM_000548.5 (MANE Select); 10 bases into the intron before coding-DNA position 5161 through 9 bases into the intron before coding-DNA position 5161, AC replaced by CT.
Molecular consequence: intron variant.
Genome position (GRCh38, 1-based): chr16:2,088,217-2,088,218, AC replaced by CT. VCF-style: chr16-2088217-AC-CT. GRCh37 (hg19) VCF-style: chr16-2138218-AC-CT.
Other names: c.5092-10_5092-9delinsCT (NM_001114382.3); c.5032-10_5032-9delinsCT (NM_021055.3); c.5032-22_5032-21delinsCT (NM_001370405.1); c.4963-10_4963-9delinsCT (NM_001363528.2); c.5029-10_5029-9delinsCT (NM_001370404.1); c.4960-10_4960-9delinsCT (NM_001077183.3); c.4852-10_4852-9delinsCT (NM_001318827.2); c.4429-10_4429-9delinsCT (NM_001318831.2); and 2 more.
Identifiers: ClinVar variation 748539 (VCV000748539.11), dbSNP rs1596459629, ClinGen allele CA915946263.
Genomic context (GRCh38, chr16:2,088,217, plus strand): 5'-CAGGCGTGAGCTGGTGGGACAGGCCCAGGTGCCACCTGATAGTGAGCTCACCCCCTGCCT[AC>CT]GTCCCCAGATGGCCTCACAGGTGCATCATAGCCGCTCCAACCCCACCGATATCTACCCCT-3'